The following is an entry in ClinVar:

NM_006514.4(SCN10A):c.5387A>G (p.Asp1796Gly)

Gene: SCN10A (sodium voltage-gated channel alpha subunit 10; minus strand). Cytogenetic location: 3p22.2.
Variant type: single nucleotide variant.
Coding change: c.5387A>G on transcript NM_006514.4 (MANE Select); coding-DNA position 5387, A replaced by G.
Protein change: p.Asp1796Gly; replaces aspartic acid 1796 with glycine.
Molecular consequence: missense variant.
Genome position (GRCh38, 1-based): chr3:38,697,833, T>C on the plus strand (A>G on the coding strand, the complement: SCN10A is on the minus strand). VCF-style: chr3-38697833-T-C. GRCh37 (hg19) VCF-style: chr3-38739324-T-C.
Other names: c.5384A>G, p.Asp1795Gly (NM_001293306.2); c.5093A>G, p.Asp1698Gly (NM_001293307.2); short protein forms D1796G, D1698G, D1795G.
Identifiers: ClinVar variation 1747197 (VCV001747197.2), dbSNP rs2063108927, ClinGen allele CA352153709.

ClinVar aggregate classification (germline): Uncertain significance (1 of 4 stars; one submission).

Conditions:
Cardiovascular phenotype. Identifiers: MedGen CN230736.

Allele frequency attached by ClinVar (database versions not stated): gnomAD exomes below 0.00001; gnomAD 0.00001.
gnomAD v4.1: 3 of 1,614,074 alleles (0.00019%); highest among the groups gnomAD compares: Non-Finnish European, 0.00025%; no homozygotes.

Submission:

Ambry Genetics
Classification: Uncertain significance for Cardiovascular phenotype. Last evaluated: 2021-03-02. Review status: criteria provided, single submitter. Criteria: Ambry Variant Classification Scheme 2023. Collection method: clinical testing. Allele origin: germline.
Comment: The p.D1796G variant (also known as c.5387A>G), located in coding exon 27 of the SCN10A gene, results from an A to G substitution at nucleotide position 5387. The aspartic acid at codon 1796 is replaced by glycine, an amino acid with similar properties. This amino acid position is well conserved in available vertebrate species. In addition, this alteration is predicted to be deleterious by in silico analysis. Since supporting evidence is limited at this time, the clinical significance of this alteration remains unclear.